The following is an entry in ClinVar:

NM_001034116.2(EIF2B4):c.1346C>T (p.Thr449Ile)

Genes: EIF2B4 (eukaryotic translation initiation factor 2B subunit delta; minus strand), GTF3C2-AS2 (GTF3C2 antisense RNA 2; plus strand). Cytogenetic location: 2p23.3.
Variant type: single nucleotide variant.
Coding change: c.1346C>T on transcript NM_001034116.2 (MANE Select); coding-DNA position 1346, C replaced by T.
Protein change: p.Thr449Ile; replaces threonine 449 with isoleucine.
Molecular consequence: missense variant.
Genome position (GRCh38, 1-based): chr2:27,364,744, G>A on the plus strand (C>T on the coding strand, the complement: EIF2B4 is on the minus strand). VCF-style: chr2-27364744-G-A. GRCh37 (hg19) VCF-style: chr2-27587611-G-A.
Other names: c.1409C>T, p.Thr470Ile (NM_001318965.2); c.1301C>T, p.Thr434Ile (NM_001318966.2); c.1253C>T, p.Thr418Ile (NM_001318967.2); c.761C>T, p.Thr254Ile (NM_001318968.2); c.728C>T, p.Thr243Ile (NM_001318969.2); c.1343C>T, p.Thr448Ile (NM_015636.4); c.1406C>T, p.Thr469Ile (NM_172195.4); short protein forms T243I, T254I, T418I, T434I, T448I, T449I, T469I, T470I.
Identifiers: ClinVar variation 1696338 (VCV001696338.3), dbSNP rs2148368349, ClinGen allele CA346196891.

ClinVar aggregate classification (germline): Uncertain significance (1 of 4 stars; one submission).

Submission:

Women's Health and Genetics/Laboratory Corporation of America, LabCorp
Classification: Uncertain significance. Last evaluated: 2025-01-07. Review status: criteria provided, single submitter. Criteria: LabCorp Variant Classification Summary - May 2015. Collection method: clinical testing. Allele origin: germline.
Comment: Variant summary: EIF2B4 c.1343C>T (p.Thr448Ile) results in a non-conservative amino acid change located in the Translation initiation factor eif-2b; domain 2 (IPR042529) of the encoded protein sequence. Four of five in-silico tools predict a damaging effect of the variant on protein function. The variant was absent in 251480 control chromosomes. The available data on variant occurrences in the general population are insufficient to allow any conclusion about variant significance. c.1343C>T has been reported in the literature in at least one compound heterozygous individual affected with Leukoencephalopathy With Vanishing White Matter (e.g. Carra-Dalliere_2011). These data do not allow any conclusion about variant significance. One publication reports experimental evidence evaluating an impact on protein function, however, does not allow convincing conclusions about the variant effect (e.g. de Almeida_2013). The following publications have been ascertained in the context of this evaluation (PMID: 21676421, 23335982). ClinVar contains an entry for this variant (Variation ID: 1696338). Based on the evidence outlined above, the variant was classified as uncertain significance.

Literature cited by the submitters: PubMed 21676421; PubMed 23335982.